The following is an entry in ClinVar:

NM_001040108.2(MLH3):c.1939C>T (p.Arg647Cys)

Gene: MLH3 (mutL homolog 3; minus strand). Cytogenetic location: 14q24.3.
Variant type: single nucleotide variant.
Coding change: c.1939C>T on transcript NM_001040108.2 (MANE Select); coding-DNA position 1939, C replaced by T.
Protein change: p.Arg647Cys; replaces arginine 647 with cysteine.
Molecular consequence: missense variant.
Genome position (GRCh38, 1-based): chr14:75,047,717, G>A on the plus strand (C>T on the coding strand, the complement: MLH3 is on the minus strand). VCF-style: chr14-75047717-G-A. GRCh37 (hg19) VCF-style: chr14-75514420-G-A.
Other names: c.1939C>T, p.Arg647Cys (NM_014381.3); short protein forms R647C.
Identifiers: ClinVar variation 238246 (VCV000238246.33), dbSNP rs28756987, ClinGen allele CA7275792.
Genomic context (GRCh38, chr14:75,047,717, plus strand): 5'-CAGATTCTTTACTTAAAGTGCTGGCTAAATCTTTGATGTCTGGAGTTTCAACTGAATGAC[G>A]TGTTCTATTTCCAAATGTTTCTTGGGCACGTGTGGGACCAGGTCTAACATAATTTTTAAA-3'
Protein context (NP_001035197.1, residues 637-657): RAQETFGNRT[Arg647Cys]HSVETPDIKD

ClinVar aggregate classification (germline): Conflicting classifications of pathogenicity. Review status: criteria provided, conflicting classifications (1 of 4 stars). 8 submissions from 8 submitters: Uncertain significance (4); Benign (2); Likely benign (2). Last evaluated 2026-01-26.

Conditions:
Endometrial carcinoma. Also called: Endometrial carcinoma, somatic. Identifiers: MedGen C0476089, MONDO:0002447, OMIM 608089, HP:0012114.
Colorectal cancer, hereditary nonpolyposis, type 7. Identifiers: Orphanet 144, MedGen C1858380, MONDO:0013725, OMIM 614385.
Colorectal cancer. Also called: Colorectal cancer, somatic; Malignant Colorectal Neoplasm. Identifiers: MedGen C0346629, MONDO:0005575, OMIM 114500.

Allele frequency attached by ClinVar (database versions not stated): gnomAD exomes 0.00020 and 0.00039; ExAC 0.00049; gnomAD 0.00155 and 0.00171; 1000 Genomes Project 30x 0.00156; ESP Exome Variant Server 0.00161; TOPMed 0.00171; 1000 Genomes Project 0.00180.
gnomAD v4.1: 537 of 1,614,136 alleles (0.033%); highest among the groups gnomAD compares: African/African-American, 0.53%; 1 homozygote.

Submissions (8):

Labcorp Genetics (formerly Invitae), Labcorp
Classification: Benign for Colorectal cancer, hereditary nonpolyposis, type 7. Last evaluated: 2026-01-26. Review status: criteria provided, single submitter. Criteria: Invitae Variant Classification Sherloc (09022015). Collection method: clinical testing. Allele origin: germline.

Center for Genomic Medicine, Rigshospitalet, Copenhagen University Hospital
Classification: Uncertain significance. Last evaluated: 2025-03-04. Review status: criteria provided, single submitter. Criteria: ACMG Guidelines, 2015. Collection method: clinical testing. Allele origin: germline.

KCCC/NGS Laboratory, Kuwait Cancer Control Center
Classification: Benign for Endometrial carcinoma. Last evaluated: 2025-02-01. Review status: criteria provided, single submitter. Criteria: ACMG Guidelines, 2015. Collection method: clinical testing. Allele origin: germline. Affected: no.

Department of Pathology and Laboratory Medicine, Sinai Health System
Classification: Uncertain significance for Colorectal cancer; Endometrial carcinoma; Colorectal cancer, hereditary nonpolyposis, type 7. Last evaluated: 2024-11-25. Review status: criteria provided, single submitter. Criteria: ACMG Guidelines, 2015. Collection method: clinical testing. Allele origin: germline.

ARUP Laboratories, Molecular Genetics and Genomics, ARUP Laboratories
Classification: Likely benign. Last evaluated: 2024-02-15. Review status: criteria provided, single submitter. Criteria: ARUP Molecular Germline Variant Investigation Process 2024. Collection method: clinical testing. Allele origin: germline.

Mayo Clinic Laboratories, Mayo Clinic
Classification: Uncertain significance. Last evaluated: 2022-01-07. Review status: criteria provided, single submitter. Criteria: ACMG Guidelines, 2015. Collection method: clinical testing. Allele origin: germline.

Ambry Genetics
Classification: Likely benign. Last evaluated: 2020-06-25. Review status: criteria provided, single submitter. Criteria: Ambry Variant Classification Scheme 2023. Collection method: clinical testing. Allele origin: germline.

Illumina Laboratory Services, Illumina
Classification: Uncertain significance for Colorectal cancer, hereditary nonpolyposis, type 7. Last evaluated: 2017-04-28. Review status: criteria provided, single submitter. Criteria: ICSL Variant Classification Criteria 13 December 2019. Collection method: clinical testing. Allele origin: germline.
Comment: This variant was observed as part of a predisposition screen in an ostensibly healthy population. A literature search was performed for the gene, cDNA change, and amino acid change (where applicable). Publications were found based on this search. However, the evidence from the literature, in combination with allele frequency data from public databases where available, was not sufficient to rule this variant in or out of causing disease. Therefore, this variant is classified as a variant of unknown significance.

Literature cited by the submitters: PubMed 11586295 (cited by Center for Genomic Medicine, Rigshospitalet, Copenhagen University Hospital and Illumina Laboratory Services, Illumina); PubMed 18521850 (cited by 3 submitters).